The following is an entry in ClinVar:

ClinVar aggregate classification (germline): Conflicting classifications of pathogenicity. Review status: criteria provided, conflicting classifications (1 of 4 stars). 3 submissions from 3 submitters: Uncertain significance (1); Likely benign (2). Last evaluated 2024-04-22.

Allele frequency attached by ClinVar (database versions not stated): gnomAD exomes 0.00001; ExAC 0.00004; ESP Exome Variant Server 0.00008.
gnomAD v4.1: 18 of 1,613,912 alleles (0.0011%); highest among the groups gnomAD compares: Admixed American, 0.0033%; no homozygotes.

Submissions (3):

Labcorp Genetics (formerly Invitae), Labcorp
Classification: Uncertain significance. Last evaluated: 2024-04-22. Review status: criteria provided, single submitter. Criteria: Invitae Variant Classification Sherloc (09022015). Collection method: clinical testing. Allele origin: germline.
Comment: This sequence change replaces histidine, which is basic and polar, with arginine, which is basic and polar, at codon 517 of the KIF22 protein (p.His517Arg). This variant is present in population databases (rs377591624, gnomAD 0.006%). This variant has not been reported in the literature in individuals affected with KIF22-related conditions. ClinVar contains an entry for this variant (Variation ID: 2221924). Advanced modeling of protein sequence and biophysical properties (such as structural, functional, and spatial information, amino acid conservation, physicochemical variation, residue mobility, and thermodynamic stability) performed at Invitae indicates that this missense variant is not expected to disrupt KIF22 protein function with a negative predictive value of 80%. In summary, the available evidence is currently insufficient to determine the role of this variant in disease. Therefore, it has been classified as a Variant of Uncertain Significance.

Blueprint Genetics
Classification: Likely benign. Last evaluated: 2024-03-05. Review status: criteria provided, single submitter. Criteria: ACMG Guidelines, 2015. Collection method: clinical testing. Allele origin: germline.

Ambry Genetics
Classification: Likely benign. Last evaluated: 2022-03-29. Review status: criteria provided, single submitter. Criteria: Ambry Variant Classification Scheme 2023. Collection method: clinical testing. Allele origin: germline.

NM_007317.3(KIF22):c.1550A>G (p.His517Arg)

Gene: KIF22 (kinesin family member 22; plus strand). Cytogenetic location: 16p11.2.
Variant type: single nucleotide variant.
Coding change: c.1550A>G on transcript NM_007317.3 (MANE Select); coding-DNA position 1550, A replaced by G.
Protein change: p.His517Arg; replaces histidine 517 with arginine.
Molecular consequence: missense variant.
Genome position (GRCh38, 1-based): chr16:29,803,549, A>G. VCF-style: chr16-29803549-A-G. GRCh37 (hg19) VCF-style: chr16-29814870-A-G.
Other names: c.1346A>G, p.His449Arg (NM_001256270.1, NM_001256269.2); short protein forms H449R, H517R.
Identifiers: ClinVar variation 2221924 (VCV002221924.5), dbSNP rs377591624, ClinGen allele CA7993322.